The following is an entry in ClinVar:

NM_022089.4(ATP13A2):c.2483C>T (p.Pro828Leu)

Gene: ATP13A2 (ATPase cation transporting 13A2; minus strand). Cytogenetic location: 1p36.13.
Variant type: single nucleotide variant.
Coding change: c.2483C>T on transcript NM_022089.4 (MANE Select); coding-DNA position 2483, C replaced by T.
Protein change: p.Pro828Leu; replaces proline 828 with leucine.
Molecular consequence: missense variant. On other transcripts: intron variant (1).
Genome position (GRCh38, 1-based): chr1:16,989,933, G>A on the plus strand (C>T on the coding strand, the complement: ATP13A2 is on the minus strand). VCF-style: chr1-16989933-G-A. GRCh37 (hg19) VCF-style: chr1-17316428-G-A.
Other names: c.2468C>T, p.Pro823Leu (NM_001141973.3); c.2398-163C>T (NM_001141974.3); short protein forms P823L, P828L.
Identifiers: ClinVar variation 1440569 (VCV001440569.3), dbSNP rs1235764815, ClinGen allele CA338240472.

ClinVar aggregate classification (germline): Uncertain significance (1 of 4 stars; one submission).

Conditions:
Autosomal recessive spastic paraplegia type 78. Identifiers: Orphanet 513436, MedGen C5567893, MONDO:0014975, OMIM 617225.
Kufor-Rakeb syndrome (KRS). Also called: PARKINSON DISEASE 9, AUTOSOMAL RECESSIVE, JUVENILE-ONSET. Identifiers: Orphanet 306674, Orphanet 314632, MedGen C1847640, MONDO:0011706, OMIM 606693.

Allele frequency attached by ClinVar (database versions not stated): gnomAD exomes 0.00002.

Submission:

Labcorp Genetics (formerly Invitae), Labcorp
Classification: Uncertain significance for Kufor-Rakeb syndrome; Autosomal recessive spastic paraplegia type 78. Last evaluated: 2021-09-17. Review status: criteria provided, single submitter. Criteria: Invitae Variant Classification Sherloc (09022015). Collection method: clinical testing. Allele origin: germline.
Comment: This sequence change replaces proline with leucine at codon 828 of the ATP13A2 protein (p.Pro828Leu). The proline residue is weakly conserved and there is a moderate physicochemical difference between proline and leucine. This variant is not present in population databases (ExAC no frequency). This variant has not been reported in the literature in individuals affected with ATP13A2-related conditions. Advanced modeling of protein sequence and biophysical properties (such as structural, functional, and spatial information, amino acid conservation, physicochemical variation, residue mobility, and thermodynamic stability) performed at Invitae indicates that this missense variant is not expected to disrupt ATP13A2 protein function. In summary, the available evidence is currently insufficient to determine the role of this variant in disease. Therefore, it has been classified as a Variant of Uncertain Significance.